The following is an entry in ClinVar:

NM_001009944.3(PKD1):c.12691C>T (p.Gln4231Ter)

Gene: PKD1 (polycystin 1, transient receptor potential channel interacting; minus strand). Cytogenetic location: 16p13.3.
Variant type: single nucleotide variant.
Coding change: c.12691C>T on transcript NM_001009944.3 (MANE Select); coding-DNA position 12691, C replaced by T.
Protein change: p.Gln4231Ter; replaces glutamine 4231 with a stop codon.
Molecular consequence: nonsense.
Genome position (GRCh38, 1-based): chr16:2,089,948, G>A on the plus strand (C>T on the coding strand, the complement: PKD1 is on the minus strand). VCF-style: chr16-2089948-G-A. GRCh37 (hg19) VCF-style: chr16-2139949-G-A.
Other names: c.12688C>T, p.Gln4230Ter (NM_000296.4); short protein forms Q4231*, Q4230*.
Identifiers: ClinVar variation 562326 (VCV000562326.24), dbSNP rs755496450, ClinGen allele CA394320803.

ClinVar aggregate classification (germline): Pathogenic/Likely pathogenic. Review status: criteria provided, multiple submitters, no conflicts (2 of 4 stars). 10 submissions from 10 submitters: Pathogenic (8); Likely pathogenic (2). Last evaluated 2026-06-26.

Conditions:
Polycystic kidney disease, adult type (PKD1). Also called: Polycystic Kidney, Autosomal Dominant; Polycystic Kidney Disease 1, Autosomal Dominant; Polycystic kidney disease 1; Polycystic kidney disease 1, severe; POLYCYSTIC KIDNEY DISEASE, ADULT, TYPE I; POLYCYSTIC KIDNEY DISEASE 1 WITH OR WITHOUT POLYCYSTIC LIVER DISEASE. Identifiers: MedGen C3149841, MONDO:0008263, OMIM 173900.
PKD1-related disorder. Also called: PKD1-related condition.

Submissions (10):

Victorian Clinical Genetics Services, Murdoch Childrens Research Institute
Classification: Pathogenic for Polycystic kidney disease, adult type. Last evaluated: 2026-06-26. Review status: criteria provided, single submitter. Criteria: ACMG Guidelines, 2015. Collection method: clinical testing. Allele origin: germline. Affected: yes.
Comment: This variant is classified as Pathogenic. Evidence in support of pathogenic classification: This variant is predicted to result in a truncated protein (premature termination codon is NOT located at least 54 nucleotides upstream of the final exon-exon junction) with less than 1/3 of the protein sequence affected; This variant is absent from gnomAD v4; This variant has strong previous evidence of pathogenicity in unrelated individuals. This variant has been classified as pathogenic or likely pathogenic by clinical laboratories (ClinVar) and has been reported in multiple individuals with autosomal dominant polycystic kidney disease (PMIDs: 33168999, 19686598, 22508176, 29529603, 32398770, 27499327, 33532864); Other variants comparable to the one identified in this case have very strong previous evidence for pathogenicity (ClinVar, PMIDs: 32398770, 22508176). Additional information: This variant is heterozygous; This gene is associated with autosomal dominant disease. Polycystic kidney disease 1 (MIM#173900) is predominantly caused by monoallelic variants, with rare reports of biallelic variants causing disease (OMIM); Loss of function is a known mechanism of disease in this gene and is associated with polycystic kidney disease 1 (MIM#173900); Inheritance information for this variant is not currently available in this individual.

Athena Diagnostics
Classification: Pathogenic. Last evaluated: 2025-01-31. Review status: criteria provided, single submitter. Criteria: Athena Diagnostics Criteria. Collection method: clinical testing. Allele origin: unknown.
Comment: This variant is not expected to cause loss of protein expression through nonsense-mediated decay. However, similar variants in this region have been associated with disease, and therefore, this variant is also expected to associate with disease. This variant has not been reported in large, multi-ethnic general populations. This variant has been identified in multiple unrelated individuals with clinical features associated with this gene.

Fulgent Genetics
Classification: Pathogenic for Polycystic kidney disease, adult type. Last evaluated: 2024-01-02. Review status: criteria provided, single submitter. Criteria: ACMG Guidelines, 2015. Collection method: clinical testing. Allele origin: germline.

3billion
Classification: Pathogenic for Polycystic kidney disease, adult type. Last evaluated: 2023-12-07. Review status: criteria provided, single submitter. Criteria: ACMG Guidelines, 2015. Collection method: clinical testing. Allele origin: germline. Affected: yes.
Comment: The variant is not observed in the gnomAD v2.1.1 dataset. Predicted Consequence/Location: Stop-gained (nonsense): predicted to result in a loss or disruption of normal protein function through protein truncation. The predicted truncated protein may be shortened by less than 10%. The variant has been observed in multiple (>3) similarly affected unrelated individuals (PMID: 19686598, 27499327, 29529603, 32398770, 33168999, 33532864). The variant has been reported at least twice as pathogenic with clinical assertions and evidence for the classification (ClinVar ID: VCV000562326 /PMID: 19686598 /3billion dataset). Therefore, this variant is classified as Pathogenic according to the recommendation of ACMG/AMP guideline.

Blueprint Genetics
Classification: Pathogenic for PKD1-related disorders. Last evaluated: 2023-10-30. Review status: criteria provided, single submitter. Criteria: ACMG Guidelines, 2015. Collection method: clinical testing. Allele origin: germline. Affected: yes. Observed: 3 variant alleles.

Department of Pathology and Laboratory Medicine, Sinai Health System
Classification: Pathogenic for Polycystic kidney disease, adult type. Last evaluated: 2020-12-18. Review status: criteria provided, single submitter. Criteria: ACMG Guidelines, 2015. Collection method: clinical testing. Allele origin: germline.

Molecular Biology Laboratory, Fundació Puigvert
Classification: Pathogenic for Polycystic kidney disease, adult type. Last evaluated: 2020-02-01. Review status: criteria provided, single submitter. Criteria: ACMG Guidelines, 2015. Collection method: research. Allele origin: germline. Affected: yes. Study: KidneyPanel_2020.

Gharavi Laboratory, Columbia University
Classification: Pathogenic. Last evaluated: 2018-09-16. Review status: criteria provided, single submitter. Criteria: ACMG Guidelines, 2015. Collection method: research. Allele origin: germline. Affected: yes.

ARUP Laboratories, Molecular Genetics and Genomics, ARUP Laboratories
Classification: Likely pathogenic. Last evaluated: 2017-07-27. Review status: criteria provided, single submitter. Criteria: ARUP Molecular Germline Variant Investigation Process. Collection method: clinical testing. Allele origin: germline.

Juno Genomics, Hangzhou Juno Genomics, Inc
Classification: Likely pathogenic for Polycystic kidney disease, adult type. Review status: criteria provided, single submitter. Criteria: ACMG Guidelines, 2015. Collection method: clinical testing. Allele origin: germline. Affected: yes.
Comment: Absent from controls (or at extremely low frequency if recessive) in Genome Aggregation Database, Exome Sequencing Project, 1000 Genomes Project, or Exome Aggregation Consortium.;Null variant in a gene where loss of function (LOF) is a known mechanism of disease.;The prevalence of the variant in affected individuals is significantly increased compared to the prevalence in controls.;Patient's phenotype or family history is highly specific for a disease with a single genetic etiology.

Literature cited by the submitters: PubMed 27499327 (cited by 3 submitters); PubMed 33168999 (cited by 3 submitters); PubMed 29529603 (cited by 3 submitters); PubMed 22508176 (cited by Victorian Clinical Genetics Services, Murdoch Childrens Research Institute and Athena Diagnostics); PubMed 32398770 (cited by 3 submitters); PubMed 19686598 (cited by 3 submitters); PubMed 33532864 (cited by 4 submitters); PubMed 39731278 (cited by Athena Diagnostics); PubMed 30586318 (cited by Athena Diagnostics).